The following is an entry in ClinVar:

ClinVar aggregate classification (germline): Conflicting classifications of pathogenicity. Review status: criteria provided, conflicting classifications (1 of 4 stars). 7 submissions from 7 submitters: Uncertain significance (2); Likely benign (3). 2 of the submissions do not count toward it. Last evaluated 2025-12-16.

Conditions:
Laron-type isolated somatotropin defect. Also called: Growth hormone binding protein deficiency or dysfunction; Growth hormone receptor deficiency or dysfunction; Laron dwarfism; Laron type pituitary dwarfism I; GROWTH HORMONE RECEPTOR DEFICIENCY; Laron Syndrome. Identifiers: Orphanet 633, MedGen C0271568, MONDO:0009877, OMIM 262500.

Allele frequency attached by ClinVar (database versions not stated): gnomAD exomes 0.00011 and 0.00019; gnomAD 0.00019 and 0.00017; TOPMed 0.00015; ExAC 0.00016; ESP Exome Variant Server 0.00023.
gnomAD v4.1: 305 of 1,605,430 alleles (0.019%); highest among the groups gnomAD compares: Non-Finnish European, 0.024%; 1 homozygote.

Submissions (7):

Women's Health and Genetics/Laboratory Corporation of America, LabCorp
Classification: Uncertain significance. Last evaluated: 2025-12-16. Review status: criteria provided, single submitter. Criteria: LabCorp Variant Classification Summary - May 2015. Collection method: clinical testing. Allele origin: germline.
Comment: Variant summary: GHR c.267-3T>C alters a conserved nucleotide located close to a canonical splice site and therefore could affect mRNA splicing, leading to a significantly altered protein sequence. Consensus agreement among computation tools predict no significant impact on normal splicing. However, these predictions have yet to be confirmed by functional studies. The variant allele was found at a frequency of 0.00011 in 246074 control chromosomes in the gnomAD database, including 1 homozygote. This frequency is not significantly higher than estimated for disease-causing variants in GHR, allowing no conclusion about variant significance. To our knowledge, no occurrence of c.267-3T>C in individuals affected with GHR-related conditions and no experimental evidence demonstrating its impact on protein function have been reported. ClinVar contains an entry for this variant (Variation ID: 905101). Based on the evidence outlined above, the variant was classified as uncertain significance.

Labcorp Genetics (formerly Invitae), Labcorp
Classification: Likely benign. Last evaluated: 2025-12-02. Review status: criteria provided, single submitter. Criteria: Invitae Variant Classification Sherloc (09022015). Collection method: clinical testing. Allele origin: germline.

Laboratory of Genetics, Children's Clinical University Hospital Latvia
Classification: Likely benign. Last evaluated: 2025-02-16. Review status: criteria provided, single submitter. Criteria: ACMG Guidelines, 2015. Collection method: clinical testing. Allele origin: germline. Affected: yes.

Blueprint Genetics
Classification: Likely benign. Last evaluated: 2023-10-31. Review status: criteria provided, single submitter. Criteria: ACMG Guidelines, 2015. Collection method: clinical testing. Allele origin: germline.

Illumina Laboratory Services, Illumina
Classification: Uncertain significance for Laron-type isolated somatotropin defect. Last evaluated: 2018-01-13. Review status: criteria provided, single submitter. Criteria: ICSL Variant Classification Criteria 13 December 2019. Collection method: clinical testing. Allele origin: germline.

Clinical Genetics DNA and cytogenetics Diagnostics Lab, Erasmus MC, Erasmus Medical Center
Classification: Likely benign. Review status: no assertion criteria provided. Collection method: clinical testing. Allele origin: germline. Affected: yes. Study: VKGL Data-share Consensus. Not counted in ClinVar's aggregate classification.

Laboratory of Diagnostic Genome Analysis, Leiden University Medical Center (LUMC)
Classification: Likely benign. Review status: no assertion criteria provided. Collection method: clinical testing. Allele origin: germline. Affected: yes. Study: VKGL Data-share Consensus. Not counted in ClinVar's aggregate classification.

NM_000163.5(GHR):c.267-3T>C

Gene: GHR (growth hormone receptor; plus strand). Cytogenetic location: 5p12.
Variant type: single nucleotide variant.
Coding change: c.267-3T>C on transcript NM_000163.5 (MANE Select); 3 bases into the intron before coding-DNA position 267, T replaced by C.
Molecular consequence: intron variant.
Genome position (GRCh38, 1-based): chr5:42,694,914, T>C. VCF-style: chr5-42694914-T-C. GRCh37 (hg19) VCF-style: chr5-42695016-T-C.
Other names: c.201-3T>C (NM_001242460.2); c.267-3T>C (NM_001242400.2, NM_001242401.4, NM_001242402.2 and 5 more transcripts); c.288-3T>C (NM_001242399.2).
Identifiers: ClinVar variation 905101 (VCV000905101.16), dbSNP rs201917287, ClinGen allele CA3254373.